The following is an entry in ClinVar:

NM_194248.3(OTOF):c.3599C>T (p.Pro1200Leu)

Gene: OTOF (otoferlin; minus strand). Cytogenetic location: 2p23.3.
Variant type: single nucleotide variant.
Coding change: c.3599C>T on transcript NM_194248.3 (MANE Select); coding-DNA position 3599, C replaced by T.
Protein change: p.Pro1200Leu; replaces proline 1200 with leucine.
Molecular consequence: missense variant.
Genome position (GRCh38, 1-based): chr2:26,473,266, G>A on the plus strand (C>T on the coding strand, the complement: OTOF is on the minus strand). VCF-style: chr2-26473266-G-A. GRCh37 (hg19) VCF-style: chr2-26696134-G-A.
Other names: c.3599C>T, p.Pro1200Leu (NM_001287489.2); c.1358C>T, p.Pro453Leu (NM_004802.4, NM_194323.3); c.1529C>T, p.Pro510Leu (NM_194322.3); short protein forms P1200L, P453L, P510L.
Identifiers: ClinVar variation 335439 (VCV000335439.9), dbSNP rs762316974, ClinGen allele CA1563507.
Genomic context (GRCh38, chr2:26,473,266, plus strand): 5'-GAGCCCACCAGTGTGTAGCGACCGAAGGCCCGGCAGTCCACCACACGGATGTTCAAGGGC[G>A]GGTGCAGCAGCTCGTTCTCTGGGAGGTCCTGGGGTGTTGGCGACAGGAGCCTGAGCCTCC-3'
Protein context (NP_919224.1, residues 1190-1210): VDLPENELLH[Pro1200Leu]PLNIRVVDCR

ClinVar aggregate classification (germline): Uncertain significance. Review status: criteria provided, multiple submitters, no conflicts (2 of 4 stars). 2 submissions from 2 submitters: Uncertain significance (2). Last evaluated 2021-09-01.

Conditions:
Autosomal recessive nonsyndromic hearing loss 9. Also called: NEUROSENSORY NONSYNDROMIC RECESSIVE DEAFNESS 9; OTOF-Related Hearing Loss; Deafness, autosomal recessive 9; AUDITORY NEUROPATHY, AUTOSOMAL RECESSIVE, 1, TEMPERATURE-SENSITIVE. Identifiers: Orphanet 90636, MedGen C1832828, MONDO:0010986, OMIM 601071.

Allele frequency attached by ClinVar (database versions not stated): ExAC 0.00001; gnomAD 0.00001; gnomAD exomes 0.00001; TOPMed 0.00001.
gnomAD v4.1: 18 of 1,613,308 alleles (0.0011%); highest among the groups gnomAD compares: African/African-American, 0.0013%; no homozygotes.

Submissions (2):

Labcorp Genetics (formerly Invitae), Labcorp
Classification: Uncertain significance. Last evaluated: 2021-09-01. Review status: criteria provided, single submitter. Criteria: Invitae Variant Classification Sherloc (09022015). Collection method: clinical testing. Allele origin: germline.
Comment: This sequence change replaces proline with leucine at codon 1200 of the OTOF protein (p.Pro1200Leu). The proline residue is highly conserved and there is a moderate physicochemical difference between proline and leucine. This variant is present in population databases (rs762316974, ExAC 0.006%). This variant has not been reported in the literature in individuals affected with OTOF-related conditions. ClinVar contains an entry for this variant (Variation ID: 335439). Algorithms developed to predict the effect of missense changes on protein structure and function (SIFT, PolyPhen-2, Align-GVGD) all suggest that this variant is likely to be disruptive. In summary, the available evidence is currently insufficient to determine the role of this variant in disease. Therefore, it has been classified as a Variant of Uncertain Significance.

Illumina Laboratory Services, Illumina
Classification: Uncertain significance for Autosomal recessive nonsyndromic hearing loss 9. Last evaluated: 2018-01-13. Review status: criteria provided, single submitter. Criteria: ICSL Variant Classification Criteria 13 December 2019. Collection method: clinical testing. Allele origin: germline.